The following is an entry in ClinVar:

NM_001079802.2(FKTN):c.1196T>C (p.Leu399Pro)

Gene: FKTN (fukutin; plus strand). Cytogenetic location: 9q31.2.
Variant type: single nucleotide variant.
Coding change: c.1196T>C on transcript NM_001079802.2 (MANE Select); coding-DNA position 1196, T replaced by C.
Protein change: p.Leu399Pro; replaces leucine 399 with proline.
Molecular consequence: missense variant. On other transcripts: synonymous variant (1), non-coding transcript variant (2).
Genome position (GRCh38, 1-based): chr9:105,635,074, T>C. VCF-style: chr9-105635074-T-C. GRCh37 (hg19) VCF-style: chr9-108397355-T-C.
Other names: c.1196T>C, p.Leu399Pro (NM_001198963.2, NM_001351496.2, NM_006731.2); c.1127T>C, p.Leu376Pro (NM_001351497.2); c.1227T>C, p.Thr409= (NM_001351498.2); c.800T>C, p.Leu267Pro (NM_001351499.2, NM_001351500.2, NM_001351501.2 and 1 more transcripts); short protein forms L399P, L376P, L267P.
Identifiers: ClinVar variation 864420 (VCV000864420.14), dbSNP rs1833923288, ClinGen allele CA374378052.

ClinVar aggregate classification (germline): Uncertain significance. Review status: criteria provided, multiple submitters, no conflicts (2 of 4 stars). 3 submissions from 3 submitters: Uncertain significance (2). 1 of the submissions does not count toward it. Last evaluated 2025-08-30.

Conditions:
Cardiovascular phenotype. Identifiers: MedGen CN230736.
Walker-Warburg congenital muscular dystrophy. Also called: Muscular dystrophy-dystroglycanopathy, type A; Walker-Warburg syndrome. Identifiers: Orphanet 899, MedGen C0265221, MONDO:0000171.

Allele frequency attached by ClinVar (database versions not stated): gnomAD exomes 0.00001.
gnomAD v4.1: 8 of 1,614,196 alleles (0.0005%); highest among the groups gnomAD compares: Non-Finnish European, 0.00068%; no homozygotes.

Submissions (3):

Ambry Genetics
Classification: Uncertain significance for Cardiovascular phenotype. Last evaluated: 2025-08-30. Review status: criteria provided, single submitter. Criteria: Ambry Variant Classification Scheme 2023. Collection method: clinical testing. Allele origin: germline.

Labcorp Genetics (formerly Invitae), Labcorp
Classification: Uncertain significance for Walker-Warburg congenital muscular dystrophy. Last evaluated: 2021-09-01. Review status: criteria provided, single submitter. Criteria: Invitae Variant Classification Sherloc (09022015). Collection method: clinical testing. Allele origin: germline.
Comment: This sequence change replaces leucine with proline at codon 399 of the FKTN protein (p.Leu399Pro). The leucine residue is highly conserved and there is a moderate physicochemical difference between leucine and proline. This variant is not present in population databases (ExAC no frequency). This variant has not been reported in the literature in individuals affected with FKTN-related conditions. Algorithms developed to predict the effect of missense changes on protein structure and function are either unavailable or do not agree on the potential impact of this missense change (SIFT: "Deleterious"; PolyPhen-2: "Possibly Damaging"; Align-GVGD: "Class C0"). In summary, the available evidence is currently insufficient to determine the role of this variant in disease. Therefore, it has been classified as a Variant of Uncertain Significance.

Natera, Inc.
Classification: Uncertain significance for Walker-Warburg congenital muscular dystrophy. Last evaluated: 2021-01-20. Review status: no assertion criteria provided. Collection method: clinical testing. Allele origin: germline. Not counted in ClinVar's aggregate classification.